The following is an entry in ClinVar:

ClinVar aggregate classification (germline): Benign. Review status: criteria provided, multiple submitters, no conflicts (2 of 4 stars). 3 submissions from 3 submitters: Benign (3). Last evaluated 2024-01-24.

Allele frequency attached by ClinVar (database versions not stated): gnomAD exomes 0.08851 and 0.15683; ExAC 0.15787; ESP Exome Variant Server 0.21355; gnomAD 0.22551 and 0.23073; TOPMed 0.25788; 1000 Genomes Project 0.30491; 1000 Genomes Project 30x 0.30918.
gnomAD v4.1: 165,040 of 1,608,792 alleles (10%); highest among the groups gnomAD compares: African/African-American, 57%; 20,709 homozygotes.

Submissions (3):

Unidad de Genómica Garrahan, Hospital de Pediatría Garrahan
Classification: Benign. Last evaluated: 2024-01-24. Review status: criteria provided, single submitter. Criteria: ACMG Guidelines, 2015. Collection method: clinical testing. Allele origin: germline. Affected: no. Observed: 43 variant alleles.
Comment: This variant is classified as Benign based on local population frequency. This variant was detected in 45% of patients studied by a panel of primary immunodeficiencies. Number of patients: 43. Only high quality variants are reported.

GeneDx
Classification: Benign. Last evaluated: 2018-07-07. Review status: criteria provided, single submitter. Criteria: GeneDx Variant Classification Process June 2021. Collection method: clinical testing. Allele origin: germline. Affected: yes.

Breakthrough Genomics
Classification: Benign. Review status: criteria provided, single submitter. Criteria: ACMG Guidelines, 2015. Collection method: not provided. Allele origin: germline. Inheritance: Autosomal recessive inheritance. Affected: yes.

NM_006904.7(PRKDC):c.12182+39G>A

Gene: PRKDC (protein kinase, DNA-activated, catalytic subunit; minus strand). Cytogenetic location: 8q11.21.
Variant type: single nucleotide variant.
Coding change: c.12182+39G>A on transcript NM_006904.7 (MANE Select); 39 bases into the intron after coding-DNA position 12182, G replaced by A.
Molecular consequence: intron variant.
Genome position (GRCh38, 1-based): chr8:47,776,805, C>T on the plus strand (G>A on the coding strand, the complement: PRKDC is on the minus strand). VCF-style: chr8-47776805-C-T. GRCh37 (hg19) VCF-style: chr8-48689366-C-T.
Other names: c.12089+39G>A (NM_001081640.2).
Identifiers: ClinVar variation 1235712 (VCV001235712.6), dbSNP rs8178258, ClinGen allele CA4738882.